The following is an entry in ClinVar:

ClinVar aggregate classification (germline): Uncertain significance (1 of 4 stars; one submission).

Submission:

GeneDx
Classification: Uncertain significance. Last evaluated: 2019-08-13. Review status: criteria provided, single submitter. Criteria: GeneDx Variant Classification Process June 2021. Collection method: clinical testing. Allele origin: germline. Affected: yes.
Comment: In silico analysis, which includes protein predictors and evolutionary conservation, supports that this variant does not alter protein structure/function; Not observed in large population cohorts (Lek et al., 2016); Has not been previously published as pathogenic or benign to our knowledge

NM_005120.3(MED12):c.892G>T (p.Ala298Ser)

Gene: MED12 (mediator complex subunit 12; plus strand). Cytogenetic location: Xq13.1.
Variant type: single nucleotide variant.
Coding change: c.892G>T on transcript NM_005120.3 (MANE Select); coding-DNA position 892, G replaced by T.
Protein change: p.Ala298Ser; replaces alanine 298 with serine.
Molecular consequence: missense variant.
Genome position (GRCh38, 1-based): chrX:71,121,607, G>T. VCF-style: chrX-71121607-G-T. GRCh37 (hg19) VCF-style: chrX-70341457-G-T.
Other names: short protein forms A298S.
Identifiers: ClinVar variation 1307475 (VCV001307475.2), dbSNP rs2147779555, ClinGen allele CA413504469.